The following is an entry in ClinVar:

ClinVar aggregate classification (germline): Uncertain significance (1 of 4 stars; one submission).

Allele frequency attached by ClinVar (database versions not stated): gnomAD exomes below 0.00001; TOPMed below 0.00001.
gnomAD v4.1: 2 of 1,614,052 alleles (0.00012%); highest among the groups gnomAD compares: South Asian, 0.0011%; no homozygotes.

Submission:

Women's Health and Genetics/Laboratory Corporation of America, LabCorp
Classification: Uncertain significance. Last evaluated: 2023-10-10. Review status: criteria provided, single submitter. Criteria: LabCorp Variant Classification Summary - May 2015. Collection method: clinical testing. Allele origin: germline.
Comment: Variant summary: COL4A3BP c.2020C>T (p.Arg674Cys) results in a non-conservative amino acid change in the encoded protein sequence. Five of five in-silico tools predict a damaging effect of the variant on protein function. The variant allele was found at a frequency of 4e-06 in 250188 control chromosomes. The available data on variant occurrences in the general population are insufficient to allow any conclusion about variant significance. To our knowledge, no occurrence of c.2020C>T in individuals affected with Intellectual Disability, Autosomal Dominant 34 and no experimental evidence demonstrating its impact on protein function have been reported. No submitters have cited clinical-significance assessments for this variant to ClinVar after 2014. Based on the evidence outlined above, the variant was classified as uncertain significance.

NM_001379029.1(CERT1):c.1636C>T (p.Arg546Cys)

Gene: CERT1 (ceramide transporter 1; minus strand). Cytogenetic location: 5q13.3.
Variant type: single nucleotide variant.
Coding change: c.1636C>T on transcript NM_001379029.1 (MANE Select); coding-DNA position 1636, C replaced by T.
Protein change: p.Arg546Cys; replaces arginine 546 with cysteine.
Molecular consequence: missense variant.
Genome position (GRCh38, 1-based): chr5:75,381,183, G>A on the plus strand (C>T on the coding strand, the complement: CERT1 is on the minus strand). VCF-style: chr5-75381183-G-A. GRCh37 (hg19) VCF-style: chr5-74677008-G-A.
Other names: c.2020C>T, p.Arg674Cys (NM_001130105.1); c.1636C>T, p.Arg546Cys (NM_001379002.1, NM_005713.3); c.1558C>T, p.Arg520Cys (NM_001379003.1, NM_001379004.1, NM_031361.3); short protein forms R520C, R546C, R674C.
Identifiers: ClinVar variation 2637648 (VCV002637648.1), dbSNP rs1328603510, ClinGen allele CA360139812.